The following is an entry in ClinVar:

NM_032638.5(GATA2):c.317_318del (p.Ser106fs)

Gene: GATA2 (GATA binding protein 2; minus strand). Cytogenetic location: 3q21.3.
Variant type: Microsatellite.
Coding change: c.317_318del on transcript NM_032638.5 (MANE Select); coding-DNA positions 317 to 318, 2 bases deleted (CT; older notation c.317_318delCT).
Protein change: p.Ser106fs; shifts the reading frame from serine 106.
Molecular consequence: frameshift variant.
Genome position (GRCh38, 1-based): chr3:128,486,280-128,486,281, AG deleted on the plus strand (CT on the coding strand, the reverse complement: GATA2 is on the minus strand); deleting any 2 consecutive bases within chr3:128,486,280-128,486,285 gives the same sequence; the c. name uses the placement nearest the transcript's 3' end. VCF-style (leftmost placement, unchanged base first): chr3-128486279-CAG-C. GRCh37 (hg19) VCF-style: chr3-128205122-CAG-C.
Other names: c.317_318del, p.Ser106fs (NM_001145661.2, NM_001145662.1); short protein forms S106fs.
Identifiers: ClinVar variation 1184175 (VCV001184175.1), dbSNP rs2107672847, ClinGen allele CA1139532781.
Genomic context (GRCh38, chr3:128,486,279, plus strand): 5'-GCAGTGGCGTCTTGGAGAAGGGGCTCACGGTCCAGGGGTTGTGGTGGTGGGCCGCAGCGG[CAG>C]AGAGGGCTGCTTTGCCCCCGTCCAGCCAGGGCAAACCCGGGCTGTGCAACAAGTGTGGGC-3'

ClinVar aggregate classification (germline): Pathogenic (1 of 4 stars; one submission).

Conditions:
Deafness-lymphedema-leukemia syndrome. Also called: Emberger syndrome; Lymphedema, primary, with myelodysplasia. Identifiers: Orphanet 3226, MedGen C3279664, MONDO:0013540, OMIM 614038.
GATA2 deficiency with susceptibility to MDS/AML. Identifiers: MedGen CN300066, MONDO:0042982.

Submission:

Molecular Pathology Research Laboratory, SA Pathology
Classification: Pathogenic for GATA2 deficiency with susceptibility to MDS/AML; Deafness-lymphedema-leukemia syndrome. Last evaluated: 2021-07-06. Review status: criteria provided, single submitter. Criteria: ACMG Guidelines, 2015. Collection method: curation. Allele origin: unknown. Inheritance: Autosomal dominant inheritance. Affected: yes. Observed: 1 variant allele.
Comment: PVS1, PS4_Supporting, PM2

Literature cited by the submitters: PubMed 29724903.